The following is an entry in ClinVar:

NM_032043.3(BRIP1):c.1240C>T (p.Gln414Ter)

Gene: BRIP1 (BRCA1 interacting DNA helicase 1; minus strand). Cytogenetic location: 17q23.2.
Variant type: single nucleotide variant.
Coding change: c.1240C>T on transcript NM_032043.3 (MANE Select); coding-DNA position 1240, C replaced by T.
Protein change: p.Gln414Ter; replaces glutamine 414 with a stop codon.
Molecular consequence: nonsense.
Genome position (GRCh38, 1-based): chr17:61,799,200, G>A on the plus strand (C>T on the coding strand, the complement: BRIP1 is on the minus strand). VCF-style: chr17-61799200-G-A. GRCh37 (hg19) VCF-style: chr17-59876561-G-A.
Other names: short protein forms Q414*.
Identifiers: ClinVar variation 141382 (VCV000141382.31), dbSNP rs368796923, ClinGen allele CA165277.
Genomic context (GRCh38, chr17:61,799,200, plus strand): 5'-CTTTCTTCCTTATATTATTGTTGACCATACTATCTAGTTCATCCCGAGCAAACCGAAGCT[G>A]AACTTCTGTTACACTGTAACTTGCTGATTCCCGAGCACAGTCCTCGATGTTATGAGCTTC-3'

ClinVar aggregate classification (germline): Pathogenic/Likely pathogenic. Review status: criteria provided, multiple submitters, no conflicts (2 of 4 stars). 12 submissions from 11 submitters: Pathogenic (8); Likely pathogenic (2). 2 of the submissions do not count toward it. Last evaluated 2026-03-18.

Conditions:
BRIP1-associated familial cancer predisposition.
BRIP1-related disorder. Also called: BRIP1-related condition; BRIP1-related disorders. Identifiers: MedGen CN239206.
Hereditary cancer-predisposing syndrome. Also called: Tumor predisposition; Neoplastic Syndromes, Hereditary; Hereditary neoplastic syndrome; Hereditary Cancer Syndrome. Identifiers: Orphanet 140162, MedGen C0027672, MeSH D009386, MONDO:0015356.
Fanconi anemia complementation group J. Also called: BRIP1-Related Fanconi Anemia. Identifiers: Orphanet 84, MedGen C1836860, MONDO:0012187, OMIM 609054.
Familial cancer of breast. Also called: BREAST CANCER, FAMILIAL; Hereditary breast cancer; hereditary breast carcinoma. Identifiers: Orphanet 227535, MedGen C0346153, MONDO:0016419, OMIM 114480. Disease mechanism: loss of function.
Ovarian cancer. Also called: OVARIAN CANCER, SOMATIC. Identifiers: Orphanet 213500, MedGen C1140680, MONDO:0008170, OMIM 167000.

Allele frequency attached by ClinVar (database versions not stated): gnomAD exomes below 0.00001; ExAC 0.00001; gnomAD 0.00001; TOPMed 0.00001; ESP Exome Variant Server 0.00008.
gnomAD v4.1: 1 of 1,613,344 alleles (0.000062%); highest among the groups gnomAD compares: Non-Finnish European, 0.000085%; no homozygotes.

Submissions (12):

PreventionGenetics, part of Exact Sciences
Classification: Pathogenic for BRIP1-related condition. Last evaluated: 2026-03-18. Review status: criteria provided, single submitter. Criteria: ACMG Guidelines, 2015. Collection method: clinical testing. Allele origin: germline.
Comment: The BRIP1 c.1240C>T variant is predicted to result in premature protein termination (p.Gln414*). To our knowledge, this variant has not been reported in the literature in individuals with BRIP1-related disease. This variant has not been reported in a large population database, indicating it is rare, and is classified as likely pathogenic or pathogenic in the ClinVar database (Variation ID: 141382). Nonsense variants in BRIP1 are expected to be pathogenic. This variant is interpreted as pathogenic.

Labcorp Genetics (formerly Invitae), Labcorp
Classification: Pathogenic for Familial cancer of breast; Fanconi anemia complementation group J. Last evaluated: 2025-12-20. Review status: criteria provided, single submitter. Criteria: Invitae Variant Classification Sherloc (09022015). Collection method: clinical testing. Allele origin: germline.
Comment: This sequence change creates a premature translational stop signal (p.Gln414*) in the BRIP1 gene. It is expected to result in an absent or disrupted protein product. Loss-of-function variants in BRIP1 are known to be pathogenic (PMID: 16116423, 17033622, 21964575). This variant is present in population databases (rs368796923, gnomAD 0.0009%). This variant has not been reported in the literature in individuals affected with BRIP1-related conditions. ClinVar contains an entry for this variant (Variation ID: 141382). For these reasons, this variant has been classified as Pathogenic.

Ambry Genetics
Classification: Pathogenic for Hereditary cancer-predisposing syndrome. Last evaluated: 2025-01-27. Review status: criteria provided, single submitter. Criteria: Ambry Variant Classification Scheme 2023. Collection method: clinical testing. Allele origin: germline.
Comment: The p.Q414* pathogenic mutation (also known as c.1240C>T), located in coding exon 8 of the BRIP1 gene, results from a C to T substitution at nucleotide position 1240. This changes the amino acid from a glutamine to a stop codon within coding exon 8. This variant has been identified in at least one patient with a personal and family history of breast and/or ovarian cancer (Maxwell KN et al. Am J Hum Genet. 2016 May;98:801-817). This variant is considered to be rare based on population cohorts in the Genome Aggregation Database (gnomAD). In addition to the clinical data presented in the literature, this alteration is expected to result in loss of function by premature protein truncation or nonsense-mediated mRNA decay. As such, this alteration is interpreted as a disease-causing mutation.

GeneDx
Classification: Pathogenic. Last evaluated: 2023-12-27. Review status: criteria provided, single submitter. Criteria: GeneDx Variant Classification Process June 2021. Collection method: clinical testing. Allele origin: germline. Affected: yes.
Comment: Nonsense variant predicted to result in protein truncation or nonsense mediated decay in a gene for which loss of function is a known mechanism of disease; Not observed at significant frequency in large population cohorts (gnomAD); Observed in at least one individual undergoing multi-gene panel testing in a clinical laboratory (PMID: 28152038); This variant is associated with the following publications: (PMID: 29922827, 28152038, 29368626)

Baylor Genetics
Classification: Pathogenic for Familial cancer of breast. Last evaluated: 2023-06-30. Review status: criteria provided, single submitter. Criteria: ACMG Guidelines, 2015. Collection method: clinical testing. Allele origin: unknown.

Myriad Genetics, Inc.
Classification: Pathogenic for Familial cancer of breast. Last evaluated: 2023-03-01. Review status: criteria provided, single submitter. Criteria: Myriad Autosomal Dominant, Autosomal Recessive and X-Linked Classification Criteria (2023). Collection method: clinical testing. Allele origin: unknown.
Comment: This variant is considered pathogenic. This variant creates a termination codon and is predicted to result in premature protein truncation.

Color Diagnostics, LLC DBA Color Health
Classification: Pathogenic for Hereditary cancer-predisposing syndrome. Last evaluated: 2022-02-02. Review status: criteria provided, single submitter. Criteria: ACMG Guidelines, 2015. Collection method: clinical testing. Allele origin: germline.
Comment: This variant changes 1 nucleotide in exon 9 of the BRIP1 gene, creating a premature translation stop signal. This variant is expected to result in an absent or non-functional protein product. To our knowledge, this variant has not been reported in individuals affected with hereditary cancer in the literature. This variant has been identified in 1/251108 chromosomes in the general population by the Genome Aggregation Database (gnomAD). Loss of BRIP1 function is a known mechanism of disease. Based on the available evidence, this variant is classified as Pathogenic.

Fulgent Genetics
Classification: Pathogenic for Familial cancer of breast; Fanconi anemia complementation group J. Last evaluated: 2018-10-31. Review status: criteria provided, single submitter. Criteria: ACMG Guidelines, 2015. Collection method: clinical testing. Allele origin: unknown.

Women's Health and Genetics/Laboratory Corporation of America, LabCorp
Classification: Likely pathogenic for Familial cancer of breast. Last evaluated: 2018-08-03. Review status: criteria provided, single submitter. Criteria: LabCorp Variant Classification Summary - May 2015. Collection method: clinical testing. Allele origin: germline.
Comment: Variant summary: BRIP1 c.1240C>T (p.Gln414X) results in a premature termination codon, predicted to cause a truncation of the encoded protein or absence of the protein due to nonsense mediated decay, which are commonly known mechanisms for disease. Truncations downstream of this position have been classified as pathogenic by our laboratory (eg. c.1871C>A (p.Ser624X), c.2255_2256delAA (p.Lys752fsX12), c.2392C>T (p.Arg798X)). The variant allele was found at a frequency of 4.1e-06 in 245868 control chromosomes (gnomAD). The variant, c.1240C>T, has been reported in the literature with limited information (Hu_2018, La Duca_2017). To our knowledge, no experimental evidence demonstrating an impact on protein function has been reported. Four ClinVar submissions from clinical diagnostic laboratories (evaluation after 2014) cite the variant as "likely pathogenic/pathogenic." Based on the evidence outlined above, the variant was classified as likely pathogenic.

Rady Children's Institute for Genomic Medicine, Rady Children's Hospital San Diego
Classification: Likely pathogenic for BRIP1-associated familial cancer predisposition. Review status: criteria provided, single submitter. Criteria: ACMG Guidelines, 2015. Collection method: clinical testing. Allele origin: germline. Affected: yes.
Comment: This nonsense variant found in exon 9 of 20 is predicted to result in loss of normal protein function through either protein truncation or nonsense-mediated mRNA decay. This variant has not been reported in affected individuals in the literature to our knowledge; however, loss-of-function variation in BRIP1 is an established mechanism of disease (PMID: 16116423, 17033622, 21964575). The c.1240C>T (p.Gln414Ter) variant is present in the heterozygous state in the gnomAD population database at a frequency of 0.0004% (1/251108) and thus presumed to be rare. Based on the available evidence, the c.1240C>T (p.Gln414Ter) variant is classified as Likely Pathogenic.

Counsyl
Classification: Likely pathogenic for Fanconi anemia complementation group J. Last evaluated: 2016-09-13. Review status: no assertion criteria provided. Collection method: clinical testing. Allele origin: unknown. Not counted in ClinVar's aggregate classification.

Counsyl
Classification: Likely pathogenic for Ovarian cancer. Last evaluated: 2016-09-13. Review status: no assertion criteria provided. Collection method: clinical testing. Allele origin: unknown. Not counted in ClinVar's aggregate classification.

Literature cited by the submitters: PubMed 16116423 (cited by Labcorp Genetics (formerly Invitae), Labcorp); PubMed 17033622 (cited by Labcorp Genetics (formerly Invitae), Labcorp); PubMed 21964575 (cited by Labcorp Genetics (formerly Invitae), Labcorp); PubMed 27153395 (cited by Ambry Genetics); PubMed 29922827 (cited by Women's Health and Genetics/Laboratory Corporation of America, LabCorp); PubMed 28152038 (cited by Women's Health and Genetics/Laboratory Corporation of America, LabCorp).